The following is an entry in ClinVar:

NM_014236.4(GNPAT):c.629G>A (p.Arg210Gln)

Gene: GNPAT (glyceronephosphate O-acyltransferase; plus strand). Cytogenetic location: 1q42.2.
Variant type: single nucleotide variant.
Coding change: c.629G>A on transcript NM_014236.4 (MANE Select); coding-DNA position 629, G replaced by A.
Protein change: p.Arg210Gln; replaces arginine 210 with glutamine.
Molecular consequence: missense variant.
Genome position (GRCh38, 1-based): chr1:231,265,353, G>A. VCF-style: chr1-231265353-G-A. GRCh37 (hg19) VCF-style: chr1-231401099-G-A.
Other names: c.446G>A, p.Arg149Gln (NM_001316350.2); short protein forms R210Q, R149Q.
Identifiers: ClinVar variation 508512 (VCV000508512.17), dbSNP rs142283145, ClinGen allele CA1451841.

ClinVar aggregate classification (germline): Conflicting classifications of pathogenicity. Review status: criteria provided, conflicting classifications (1 of 4 stars). 4 submissions from 4 submitters: Uncertain significance (1); Likely benign (3). Last evaluated 2026-01-28.

Conditions:
Inborn genetic diseases. Identifiers: MedGen C0950123, MeSH D030342.
Rhizomelic chondrodysplasia punctata type 2 (RCDP2). Also called: glyceronephosphate O-acyltransferase (GNPAT) deficiency; DHAPAT DEFICIENCY; DIHYDROXYACETONEPHOSPHATE ACYLTRANSFERASE DEFICIENCY; Glyceronephosphate O-acyltransferase deficiency; PEROXISOMAL DIHYDROXYACETONEPHOSPHATE ACYLTRANSFERASE DEFICIENCY; Chondrodysplasia punctata, rhizomelic, due to dihydroxyacetonephosphate acyltransferase deficiency. Identifiers: Orphanet 177, Orphanet 309796, MedGen C1857242, MONDO:0100273, OMIM 222765. Disease mechanism: loss of function.

Allele frequency attached by ClinVar (database versions not stated): ESP Exome Variant Server 0.00123; 1000 Genomes Project 0.00160; gnomAD 0.00172 and 0.00185; gnomAD exomes 0.00019 and 0.00040; ExAC 0.00045; 1000 Genomes Project 30x 0.00156; TOPMed 0.00220.
gnomAD v4.1: 558 of 1,610,372 alleles (0.035%); highest among the groups gnomAD compares: African/African-American, 0.64%; 2 homozygotes.

Submissions (5):

Labcorp Genetics (formerly Invitae), Labcorp
Classification: Likely benign. Last evaluated: 2026-01-28. Review status: criteria provided, single submitter. Criteria: Invitae Variant Classification Sherloc (09022015). Collection method: clinical testing. Allele origin: germline.

Ambry Genetics
Classification: Likely benign for Inborn genetic diseases. Last evaluated: 2022-05-25. Review status: criteria provided, single submitter. Criteria: Ambry Variant Classification Scheme 2023. Collection method: clinical testing. Allele origin: germline.

GeneDx
Classification: Likely benign. Last evaluated: 2020-01-06. Review status: criteria provided, single submitter. Criteria: GeneDx Variant Classification Process June 2021. Collection method: clinical testing. Allele origin: germline. Affected: yes.
Comment: This variant is associated with the following publications: (PMID: 27377421)

Illumina Laboratory Services, Illumina
Classification: Uncertain significance for Rhizomelic chondrodysplasia punctata type 2. Last evaluated: 2017-04-27. Review status: criteria provided, single submitter. Criteria: ICSL Variant Classification Criteria 13 December 2019. Collection method: clinical testing. Allele origin: germline.

Dr. Peter K. Rogan Lab, Western University
No classification provided (evidence only). Condition: Colon adenocarcinoma. Review status: no classification provided. Collection method: in vitro. Allele origin: not applicable. Functional consequence: retained intron. Not counted in ClinVar's aggregate classification.